The following is an entry in ClinVar:

NM_001371928.1(AHDC1):c.651_662del (p.Ala220_Thr223del)

Gene: AHDC1 (AT-hook DNA binding motif containing 1; minus strand). Cytogenetic location: 1p36.11.
Variant type: Deletion.
Coding change: c.651_662del on transcript NM_001371928.1 (MANE Select); coding-DNA positions 651 to 662, 12 bases deleted (AGCCACGGCTGC).
Protein change: p.Ala220_Thr223del.
Genome position (GRCh38, 1-based): chr1:27,551,454-27,551,465, GCAGCCGTGGCT deleted on the plus strand (AGCCACGGCTGC on the coding strand, the reverse complement: AHDC1 is on the minus strand). VCF-style (leftmost placement, unchanged base first): chr1-27551453-CGCAGCCGTGGCT-C. GRCh37 (hg19) VCF-style: chr1-27877964-CGCAGCCGTGGCT-C.
Other names: c.651_662del, p.Ala220_Thr223del (NM_001029882.3).
Identifiers: ClinVar variation 4765952 (VCV004765952.1).

ClinVar aggregate classification (germline): Uncertain significance (1 of 4 stars; one submission).

Submission:

Labcorp Genetics (formerly Invitae), Labcorp
Classification: Uncertain significance. Last evaluated: 2025-12-19. Review status: criteria provided, single submitter. Criteria: Invitae Variant Classification Sherloc (09022015). Collection method: clinical testing. Allele origin: germline.
Comment: This variant, c.651_662del, results in the deletion of 4 amino acid(s) of the AHDC1 protein (p.Ala220_Thr223del), but otherwise preserves the integrity of the reading frame. This variant is not present in population databases (gnomAD no frequency). This variant has not been reported in the literature in individuals affected with AHDC1-related conditions. Experimental studies and prediction algorithms are not available or were not evaluated, and the functional significance of this variant is currently unknown. In summary, the available evidence is currently insufficient to determine the role of this variant in disease. Therefore, it has been classified as a Variant of Uncertain Significance.